The following is an entry in ClinVar:

NM_000465.4(BARD1):c.873dup (p.Lys292Ter)

Gene: BARD1 (BRCA1 associated RING domain 1; minus strand). Cytogenetic location: 2q35.
Variant type: Duplication.
Coding change: c.873dup on transcript NM_000465.4 (MANE Select); coding-DNA position 873, one base duplicated (T; older notation c.873dupT).
Protein change: p.Lys292Ter; replaces lysine 292 with a stop codon.
Molecular consequence: nonsense. On other transcripts: intron variant (3), non-coding transcript variant (2).
Genome position (GRCh38, 1-based): chr2:214,781,001, A duplicated on the plus strand (T on the coding strand, the reverse complement: BARD1 is on the minus strand). VCF-style (leftmost placement, unchanged base first): chr2-214781000-T-TA. GRCh37 (hg19) VCF-style: chr2-215645724-T-TA.
Other names: c.215+16060dup (NM_001282545.2); c.364+11296dup (NM_001282549.2); c.873dupT (NM_000465.2); c.816dup, p.Lys273Ter (NM_001282543.2); c.158+28411dup (NM_001282548.2); short protein forms K273*, K292*.
Identifiers: ClinVar variation 479161 (VCV000479161.12), dbSNP rs1553622378, ClinGen allele CA658657206.

ClinVar aggregate classification (germline): Pathogenic/Likely pathogenic. Review status: criteria provided, multiple submitters, no conflicts (2 of 4 stars). 4 submissions from 4 submitters: Pathogenic (3); Likely pathogenic (1). Last evaluated 2024-08-20.

Conditions:
Hereditary cancer-predisposing syndrome. Also called: Neoplastic Syndromes, Hereditary; Hereditary Cancer Syndrome; Hereditary neoplastic syndrome; Tumor predisposition. Identifiers: Orphanet 140162, MedGen C0027672, MeSH D009386, MONDO:0015356.
Familial cancer of breast. Also called: BREAST CANCER, FAMILIAL; hereditary breast carcinoma; Hereditary breast cancer. Identifiers: Orphanet 227535, MedGen C0346153, MONDO:0016419, OMIM 114480. Disease mechanism: loss of function.

Submissions (4):

Labcorp Genetics (formerly Invitae), Labcorp
Classification: Pathogenic for Familial cancer of breast. Last evaluated: 2024-08-20. Review status: criteria provided, single submitter. Criteria: Invitae Variant Classification Sherloc (09022015). Collection method: clinical testing. Allele origin: germline.
Comment: This sequence change creates a premature translational stop signal (p.Lys292*) in the BARD1 gene. It is expected to result in an absent or disrupted protein product. Loss-of-function variants in BARD1 are known to be pathogenic (PMID: 20077502, 21344236). This variant is not present in population databases (gnomAD no frequency). This variant has not been reported in the literature in individuals affected with BARD1-related conditions. ClinVar contains an entry for this variant (Variation ID: 479161). For these reasons, this variant has been classified as Pathogenic.

Ambry Genetics
Classification: Pathogenic for Hereditary cancer-predisposing syndrome. Last evaluated: 2023-12-11. Review status: criteria provided, single submitter. Criteria: Ambry Variant Classification Scheme 2023. Collection method: clinical testing. Allele origin: germline.
Comment: The c.873dupT pathogenic mutation, located in coding exon 4 of the BARD1 gene, results from a duplication of T at nucleotide position 873, causing a translational frameshift with a predicted alternate stop codon (p.K292*). This alteration is expected to result in loss of function by premature protein truncation or nonsense-mediated mRNA decay. As such, this alteration is interpreted as a disease-causing mutation.

Myriad Genetics, Inc.
Classification: Pathogenic for Familial cancer of breast. Last evaluated: 2023-05-19. Review status: criteria provided, single submitter. Criteria: Myriad Autosomal Dominant, Autosomal Recessive and X-Linked Classification Criteria (2023). Collection method: clinical testing. Allele origin: unknown.
Comment: This variant is considered pathogenic. This variant creates a termination codon and is predicted to result in premature protein truncation.

Baylor Genetics
Classification: Likely pathogenic for Familial cancer of breast. Last evaluated: 2023-01-17. Review status: criteria provided, single submitter. Criteria: ACMG Guidelines, 2015. Collection method: clinical testing. Allele origin: unknown.

Literature cited by the submitters: PubMed 20077502 (cited by Labcorp Genetics (formerly Invitae), Labcorp); PubMed 21344236 (cited by Labcorp Genetics (formerly Invitae), Labcorp).